The following is an entry in ClinVar:

ClinVar aggregate classification (germline): Likely benign (0 of 4 stars; one submission).

Conditions:
HESX1-related disorder. Also called: HESX1-related condition.

Allele frequency attached by ClinVar (database versions not stated): ExAC 0.00001; gnomAD 0.00001; gnomAD exomes 0.00002; TOPMed 0.00003.

Submission:

PreventionGenetics, part of Exact Sciences
Classification: Likely benign for HESX1-related condition. Last evaluated: 2023-01-24. Review status: no assertion criteria provided. Collection method: clinical testing. Allele origin: germline.
Comment: This variant is classified as likely benign based on ACMG/AMP sequence variant interpretation guidelines (Richards et al. 2015 PMID: 25741868, with internal and published modifications).

NM_003865.3(HESX1):c.*1A>G

Gene: HESX1 (HESX homeobox 1; minus strand). Cytogenetic location: 3p14.3.
Variant type: single nucleotide variant.
Coding change: c.*1A>G on transcript NM_003865.3 (MANE Select); 1 bases downstream of the stop codon, A replaced by G.
Molecular consequence: 3 prime UTR variant. On other transcripts: non-coding transcript variant (1).
Genome position (GRCh38, 1-based): chr3:57,198,196, T>C on the plus strand (A>G on the coding strand, the complement: HESX1 is on the minus strand). VCF-style: chr3-57198196-T-C. GRCh37 (hg19) VCF-style: chr3-57232224-T-C.
Other names: c.*1A>G (NM_001376058.1, NM_001376059.1, NM_001376060.1 and 1 more transcripts).
Identifiers: ClinVar variation 3057419 (VCV003057419.2), dbSNP rs754106154, ClinGen allele CA2463218.
Genomic context (GRCh38, chr3:57,198,196, plus strand): 5'-ATTTCCACTGATTCTTCATGCTCTGCAATTAGAAGATAATTTCACTTGTTTAGTTTTCTA[T>C]CTATTCCAGCAGATTTGTGTTGAAATTTTTTTTCGCCATTAGAAACTGTGATTCTCTATG-3'